The following is an entry in ClinVar:

NM_001018005.2(TPM1):c.677A>G (p.Lys226Arg)

Gene: TPM1 (tropomyosin 1; plus strand). Cytogenetic location: 15q22.2.
Variant type: single nucleotide variant.
Coding change: c.677A>G on transcript NM_001018005.2 (MANE Select); coding-DNA position 677, A replaced by G.
Protein change: p.Lys226Arg; replaces lysine 226 with arginine.
Molecular consequence: missense variant.
Genome position (GRCh38, 1-based): chr15:63,062,252, A>G. VCF-style: chr15-63062252-A-G. GRCh37 (hg19) VCF-style: chr15-63354451-A-G.
Other names: p.K226R:AAG>AGG; c.677A>G, p.Lys226Arg (NM_000366.6, NM_001018004.2, NM_001018006.2 and 6 more transcripts); c.569A>G, p.Lys190Arg (NM_001018008.2, NM_001301289.2, NM_001330344.2 and 5 more transcripts); c.803A>G, p.Lys268Arg (NM_001365778.1); short protein forms K226R, K190R, K268R.
Identifiers: ClinVar variation 181671 (VCV000181671.6), dbSNP rs730881144, ClinGen allele CA019270.
Genomic context (GRCh38, chr15:63,062,252, plus strand): 5'-TGGAATGCTCTTTCTAATTACAGTACTCGCAGAAGGAAGACAGATATGAGGAAGAGATCA[A>G]GGTCCTTTCCGACAAGCTGAAGGAGGTAATATGAGAGTTGTGGATGAAGCCAACTGGATT-3'
Protein context (NP_001018005.1, residues 216-236): QKEDRYEEEI[Lys226Arg]VLSDKLKEAE

ClinVar aggregate classification (germline): Uncertain significance. Review status: criteria provided, multiple submitters, no conflicts (2 of 4 stars). 2 submissions from 2 submitters: Uncertain significance (2). Last evaluated 2022-07-07.

Conditions:
Hypertrophic cardiomyopathy. Also called: HYPERTROPHIC MYOCARDIOPATHY. Identifiers: Orphanet 217569, MedGen C0007194, MeSH D002312, MONDO:0005045, HP:0001639.

Allele frequency attached by ClinVar (database versions not stated): gnomAD exomes below 0.00001.
gnomAD v4.1: 1 of 1,614,152 alleles (0.000062%); highest among the groups gnomAD compares: South Asian, 0.0011%; no homozygotes.

Submissions (2):

Labcorp Genetics (formerly Invitae), Labcorp
Classification: Uncertain significance for Hypertrophic cardiomyopathy. Last evaluated: 2022-07-07. Review status: criteria provided, single submitter. Criteria: Invitae Variant Classification Sherloc (09022015). Collection method: clinical testing. Allele origin: germline.
Comment: In summary, the available evidence is currently insufficient to determine the role of this variant in disease. Therefore, it has been classified as a Variant of Uncertain Significance. Algorithms developed to predict the effect of missense changes on protein structure and function are either unavailable or do not agree on the potential impact of this missense change (SIFT: "Tolerated"; PolyPhen-2: "Probably Damaging"; Align-GVGD: "Class C0"). ClinVar contains an entry for this variant (Variation ID: 181671). This missense change has been observed in individual(s) with clinical features of TPM1-related conditions (PMID: 27532257, 30847666). This variant is not present in population databases (gnomAD no frequency). This sequence change replaces lysine, which is basic and polar, with arginine, which is basic and polar, at codon 226 of the TPM1 protein (p.Lys226Arg).

GeneDx
Classification: Uncertain significance. Last evaluated: 2012-03-05. Review status: criteria provided, single submitter. Criteria: GeneDx Variant Classification (06012015). Collection method: clinical testing. Allele origin: germline. Affected: yes.
Comment: The Lys226Arg variant in the TPM1 gene has not been reported previously as a disease-causing mutation or as a rare benign polymorphism, to our knowledge. Although Lys226Arg results in a conservative amino acid substitution of one positively charged amino acid with another, the substitution occurs at a position that is highly conserved throughout evolution. The NHLBI ESP Exome Variant Server reports Lys226Arg was not observed in approximately 5,000 samples from individuals of European and African American backgrounds, indicating it is not a common benign variant in these populations. Additionally, a mutation in a nearby codon (Asp230Asn) has been reported in association with dilated cardiomyopathy (DCM), supporting the functional importance of this region of the protein. Nevertheless, multiple in silico analyses provide conflicting predictions regarding the effect of this missense change on the protein structure/function. The variant is found in HCM panel(s).

Literature cited by the submitters: PubMed 27532257 (cited by Labcorp Genetics (formerly Invitae), Labcorp); PubMed 30847666 (cited by Labcorp Genetics (formerly Invitae), Labcorp).